The following is an entry in ClinVar:

ClinVar aggregate classification (germline): Uncertain significance (1 of 4 stars; one submission).

Conditions:
Ullrich congenital muscular dystrophy 2 (UCMD2). Identifiers: Orphanet 75840, MedGen C4225314, MONDO:0014654, OMIM 616470.
Bethlem myopathy 2 (BTHLM2). Identifiers: Orphanet 536516, Orphanet 610, MedGen C4225313, MONDO:0034022, OMIM 616471.

Submission:

Labcorp Genetics (formerly Invitae), Labcorp
Classification: Uncertain significance for Bethlem myopathy 2; Ullrich congenital muscular dystrophy 2. Last evaluated: 2020-01-24. Review status: criteria provided, single submitter. Criteria: Invitae Variant Classification Sherloc (09022015). Collection method: clinical testing. Allele origin: germline.
Comment: This sequence change replaces valine with glutamic acid at codon 1440 of the COL12A1 protein (p.Val1440Glu). The valine residue is highly conserved and there is a moderate physicochemical difference between valine and glutamic acid. This variant is not present in population databases (ExAC no frequency). This variant has not been reported in the literature in individuals with COL12A1-related conditions. Algorithms developed to predict the effect of missense changes on protein structure and function are either unavailable or do not agree on the potential impact of this missense change (SIFT: "Deleterious"; PolyPhen-2: "Probably Damaging"; Align-GVGD: "Class C0"). In summary, the available evidence is currently insufficient to determine the role of this variant in disease. Therefore, it has been classified as a Variant of Uncertain Significance.

NM_004370.6(COL12A1):c.4319T>A (p.Val1440Glu)

Gene: COL12A1 (collagen type XII alpha 1 chain; minus strand). Cytogenetic location: 6q13.
Variant type: single nucleotide variant.
Coding change: c.4319T>A on transcript NM_004370.6 (MANE Select); coding-DNA position 4319, T replaced by A.
Protein change: p.Val1440Glu; replaces valine 1440 with glutamic acid.
Molecular consequence: missense variant.
Genome position (GRCh38, 1-based): chr6:75,147,773, A>T on the plus strand (T>A on the coding strand, the complement: COL12A1 is on the minus strand). VCF-style: chr6-75147773-A-T. GRCh37 (hg19) VCF-style: chr6-75857489-A-T.
Other names: c.827T>A, p.Val276Glu (NM_080645.3); short protein forms V1440E, V276E.
Identifiers: ClinVar variation 853026 (VCV000853026.10), dbSNP rs1767273965, ClinGen allele CA364744723.
Genomic context (GRCh38, chr6:75,147,773, plus strand): 5'-TCTTCTACCACAGAATACACATTGACAACATATTCAGTTTCAGGTTTCAGATCTTTCAGC[A>T]CTGTGCTAGTTTCCATTCGACTCACATAAAACTAGGGGGAAAAATTAAACAGAGCAACAA-3'
Protein context (NP_004361.3, residues 1430-1450): FYVSRMETST[Val1440Glu]LKDLKPETEY